The following is an entry in ClinVar:

NM_003722.5(TP63):c.580-2A>G

Gene: TP63 (tumor protein p63; plus strand). Cytogenetic location: 3q28.
Variant type: single nucleotide variant.
Coding change: c.580-2A>G on transcript NM_003722.5 (MANE Select); the canonical splice acceptor site of the intron before coding-DNA position 580, A replaced by G.
Molecular consequence: splice acceptor variant.
Genome position (GRCh38, 1-based): chr3:189,864,230, A>G. VCF-style: chr3-189864230-A-G. GRCh37 (hg19) VCF-style: chr3-189582019-A-G.
Other names: c.574-2A>G (NM_001329964.2); c.580-2A>G (NM_001114978.2, NM_001329144.2, NM_001329148.2 and 1 more transcripts); c.298-2A>G (NM_001114980.2, NM_001114981.2, NM_001329145.2 and 2 more transcripts); c.43-2A>G (NM_001329146.2, NM_001329150.2).
Identifiers: ClinVar variation 3600613 (VCV003600613.1).

ClinVar aggregate classification (germline): Pathogenic (1 of 4 stars; one submission).

Submission:

GeneDx
Classification: Pathogenic. Last evaluated: 2024-07-26. Review status: criteria provided, single submitter. Criteria: GeneDx Variant Classification Process June 2021. Collection method: clinical testing. Allele origin: germline. Affected: yes.
Comment: Canonical splice site variant expected to result in aberrant splicing, and published studies indicate this variant leads to the activation of an adjacent cryptic splice site causing the in-frame insertion of an Arginine residue after Threonine 193, denoted as p.T193_Y194insR (PMID: 23463580); Published functional studies of p.T193_Y194insR showed differing transactivation abilities between yeast and mammalian cell lines (PMID: 23463580); Also denoted as insR155 and p.T154_Y155insR; Not observed at significant frequency in large population cohorts (gnomAD); This variant is associated with the following publications: (PMID: 17224651, 21652629, 23463580)